The following is an entry in ClinVar:

NM_000135.4(FANCA):c.610C>T (p.His204Tyr)

Gene: FANCA (FA complementation group A; minus strand). Cytogenetic location: 16q24.3.
Variant type: single nucleotide variant.
Coding change: c.610C>T on transcript NM_000135.4 (MANE Select); coding-DNA position 610, C replaced by T.
Protein change: p.His204Tyr; replaces histidine 204 with tyrosine.
Molecular consequence: missense variant.
Genome position (GRCh38, 1-based): chr16:89,805,379, G>A on the plus strand (C>T on the coding strand, the complement: FANCA is on the minus strand). VCF-style: chr16-89805379-G-A. GRCh37 (hg19) VCF-style: chr16-89871787-G-A.
Other names: c.610C>T, p.His204Tyr (NM_001018112.3, NM_001286167.3); c.514C>T, p.His172Tyr (NM_001351830.2); short protein forms H172Y, H204Y.
Identifiers: ClinVar variation 4870782 (VCV004870782.1).
Genomic context (GRCh38, chr16:89,805,379, plus strand): 5'-ATGCTTCCATCTGTTCACAAAGGCAGCACAGATTCCTGAAGAGCCACGATCCCACAGCAT[G>A]CATGTCGGGATGGCTGGAGACACACACAGAGGCAGACGTAAGGCTCAACTAAATCCCATC-3'
Protein context (NP_000126.2, residues 194-214): QELLESHPDM[His204Tyr]AVGSWLFRNL

ClinVar aggregate classification (germline): Uncertain significance (1 of 4 stars; one submission).

Conditions:
Inborn genetic diseases. Identifiers: MedGen C0950123, MeSH D030342.

gnomAD v4.1: 2 of 1,613,302 alleles (0.00012%); highest among the groups gnomAD compares: East Asian, 0.0022%; no homozygotes.

Submission:

Ambry Genetics
Classification: Uncertain significance for Inborn genetic diseases. Last evaluated: 2026-03-15. Review status: criteria provided, single submitter. Criteria: Ambry Variant Classification Scheme 2023. Collection method: clinical testing. Allele origin: germline.
Comment: The p.H204Y variant (also known as c.610C>T), located in coding exon 7 of the FANCA gene, results from a C to T substitution at nucleotide position 610. The histidine at codon 204 is replaced by tyrosine, an amino acid with similar properties. This amino acid position is conserved. In addition, this alteration is predicted to be tolerated by in silico analysis. Based on the available evidence, the clinical significance of this variant remains unclear.